The following is an entry in ClinVar:

ClinVar aggregate classification (germline): Pathogenic (1 of 4 stars; one submission).

Submission:

Labcorp Genetics (formerly Invitae), Labcorp
Classification: Pathogenic. Last evaluated: 2023-07-28. Review status: criteria provided, single submitter. Criteria: Invitae Variant Classification Sherloc (09022015). Collection method: clinical testing. Allele origin: germline.
Comment: This missense change has been observed in individual(s) with clinical features of cortical malformations (Invitae). In at least one individual the variant was observed to be de novo. This variant is not present in population databases (gnomAD no frequency). This sequence change replaces asparagine, which is neutral and polar, with serine, which is neutral and polar, at codon 256 of the TUBB2A protein (p.Asn256Ser). Advanced modeling of protein sequence and biophysical properties (such as structural, functional, and spatial information, amino acid conservation, physicochemical variation, residue mobility, and thermodynamic stability) performed at Invitae indicates that this missense variant is expected to disrupt TUBB2A protein function. For these reasons, this variant has been classified as Pathogenic.

NM_001069.3(TUBB2A):c.767A>G (p.Asn256Ser)

Gene: TUBB2A (tubulin beta 2A class IIa; minus strand). Cytogenetic location: 6p25.2.
Variant type: single nucleotide variant.
Coding change: c.767A>G on transcript NM_001069.3 (MANE Select); coding-DNA position 767, A replaced by G.
Protein change: p.Asn256Ser; replaces asparagine 256 with serine.
Molecular consequence: missense variant.
Genome position (GRCh38, 1-based): chr6:3,154,434, T>C on the plus strand (A>G on the coding strand, the complement: TUBB2A is on the minus strand). VCF-style: chr6-3154434-T-C. GRCh37 (hg19) VCF-style: chr6-3154668-T-C.
Other names: c.512A>G, p.Asn171Ser (NM_001310315.2); short protein forms N171S, N256S.
Identifiers: ClinVar variation 2857024 (VCV002857024.3), dbSNP rs2533524412, ClinGen allele CA362592012.